The following is an entry in ClinVar:

NM_006663.4(PPP1R13L):c.1422G>A (p.Leu474=)

Gene: PPP1R13L (protein phosphatase 1 regulatory subunit 13 like; minus strand). Cytogenetic location: 19q13.32.
Variant type: single nucleotide variant.
Coding change: c.1422G>A on transcript NM_006663.4 (MANE Select); coding-DNA position 1422, G replaced by A.
Protein change: p.Leu474=; no amino-acid change (leucine 474 retained).
Molecular consequence: synonymous variant.
Genome position (GRCh38, 1-based): chr19:45,392,273, C>T on the plus strand (G>A on the coding strand, the complement: PPP1R13L is on the minus strand). VCF-style: chr19-45392273-C-T. GRCh37 (hg19) VCF-style: chr19-45895531-C-T.
Other names: c.1422G>A, p.Leu474= (NM_001142502.2).
Identifiers: ClinVar variation 3239241 (VCV003239241.19), dbSNP rs776791451.
Genomic context (GRCh38, chr19:45,392,273, plus strand): 5'-CTGCAGCCTCGTGGGGCTGAGAGGCCTTGCTACAGGGCCTTCATCCACATCGCCAGCCTC[C>T]AGCACTGGTGTCAGCAGCCCCTCTATCTCCGGCTCAGGCTCCAGCTCGGTGGGGGGTTTG-3'
Protein context (NP_006654.2, residues 464-484): PEIEGLLTPV[Leu474=]EAGDVDEGPV

ClinVar aggregate classification (germline): Likely benign (1 of 4 stars; one submission).

Allele frequency attached by ClinVar (database versions not stated): ExAC 0.00001; gnomAD 0.00001; gnomAD exomes 0.00001; TOPMed 0.00001.
gnomAD v4.1: 11 of 1,613,508 alleles (0.00068%); highest among the groups gnomAD compares: African/African-American, 0.0013%; no homozygotes.

Submission:

CeGaT Center for Human Genetics Tuebingen
Classification: Likely benign. Last evaluated: 2024-05-01. Review status: criteria provided, single submitter. Criteria: CeGaT Center For Human Genetics Tuebingen Variant Classification Criteria Version 2. Collection method: clinical testing. Allele origin: germline. Affected: yes. Observed: 1 variant allele.
Comment: PPP1R13L: PM2:Supporting, BP4, BP7